The following is an entry in ClinVar:

NM_005751.5(AKAP9):c.20A>G (p.Gln7Arg)

Genes: AKAP9 (A-kinase anchoring protein 9; plus strand), LOC129998788 (ATAC-STARR-seq lymphoblastoid active region 26256; plus strand). Cytogenetic location: 7q21.2.
Variant type: single nucleotide variant.
Coding change: c.20A>G on transcript NM_005751.5 (MANE Select); coding-DNA position 20, A replaced by G.
Protein change: p.Gln7Arg; replaces glutamine 7 with arginine.
Molecular consequence: missense variant.
Genome position (GRCh38, 1-based): chr7:91,941,119, A>G. VCF-style: chr7-91941119-A-G. GRCh37 (hg19) VCF-style: chr7-91570433-A-G.
Other names: c.20A>G, p.Gln7Arg (NM_147185.3); short protein forms Q7R.
Identifiers: ClinVar variation 3516327 (VCV003516327.1).

ClinVar aggregate classification (germline): Uncertain significance (1 of 4 stars; one submission).

Conditions:
Cardiovascular phenotype. Identifiers: MedGen CN230736.

gnomAD v4.1: 3 of 1,614,080 alleles (0.00019%); highest among the groups gnomAD compares: Middle Eastern, 0.016%; no homozygotes.

Submission:

Ambry Genetics
Classification: Uncertain significance for Cardiovascular phenotype. Last evaluated: 2024-08-19. Review status: criteria provided, single submitter. Criteria: Ambry Variant Classification Scheme 2023. Collection method: clinical testing. Allele origin: germline.
Comment: The p.Q7R variant (also known as c.20A>G), located in coding exon 1 of the AKAP9 gene, results from an A to G substitution at nucleotide position 20. The glutamine at codon 7 is replaced by arginine, an amino acid with highly similar properties. This amino acid position is conserved. In addition, this alteration is predicted to be tolerated by in silico analysis. Based on the available evidence, the clinical significance of this variant remains unclear.